The following is an entry in ClinVar:

NM_000038.6(APC):c.251G>A (p.Gly84Glu)

Gene: APC (APC regulator of Wnt signaling pathway; plus strand). Cytogenetic location: 5q22.2.
Variant type: single nucleotide variant.
Coding change: c.251G>A on transcript NM_000038.6 (MANE Select); coding-DNA position 251, G replaced by A.
Protein change: p.Gly84Glu; replaces glycine 84 with glutamic acid.
Molecular consequence: missense variant. On other transcripts: 5 prime UTR variant (1).
Genome position (GRCh38, 1-based): chr5:112,767,219, G>A. VCF-style: chr5-112767219-G-A. GRCh37 (hg19) VCF-style: chr5-112102916-G-A.
Other names: c.251G>A, p.Gly84Glu (NM_001127510.3, NM_001354895.2, NM_001354896.2 and 16 more transcripts); c.281G>A, p.Gly94Glu (NM_001127511.3, NM_001354897.2, NM_001354902.2 and 1 more transcripts); c.176G>A, p.Gly59Glu (NM_001354898.2, NM_001354904.2, NM_001407451.1); c.74G>A, p.Gly25Glu (NM_001354900.2, NM_001354901.2, NM_001354905.2 and 1 more transcripts); c.-785G>A (NM_001354906.2, NM_001407470.1, NM_001407471.1 and 1 more transcripts); short protein forms G59E, G25E, G84E, G94E.
Identifiers: ClinVar variation 1792517 (VCV001792517.2), dbSNP rs143145868, ClinGen allele CA16021894.

ClinVar aggregate classification (germline): Uncertain significance (1 of 4 stars; one submission).

Conditions:
Hereditary cancer-predisposing syndrome. Also called: Hereditary Cancer Syndrome; Hereditary neoplastic syndrome; Tumor predisposition; Neoplastic Syndromes, Hereditary. Identifiers: Orphanet 140162, MedGen C0027672, MeSH D009386, MONDO:0015356.

Submission:

Ambry Genetics
Classification: Uncertain significance for Hereditary cancer-predisposing syndrome. Last evaluated: 2020-11-23. Review status: criteria provided, single submitter. Criteria: Ambry Variant Classification Scheme 2023. Collection method: clinical testing. Allele origin: germline.
Comment: The p.G84E variant (also known as c.251G>A), located in coding exon 3 of the APC gene, results from a G to A substitution at nucleotide position 251. The glycine at codon 84 is replaced by glutamic acid, an amino acid with similar properties. This amino acid position is highly conserved in available vertebrate species. In addition, in silico predictors for this gene do not accurately predict pathogenicity. Since supporting evidence is limited at this time, the clinical significance of this alteration remains unclear.